The following is an entry in ClinVar:

NM_001482.3(GATM):c.963C>T (p.Asp321=)

Gene: GATM (glycine amidinotransferase; minus strand). Cytogenetic location: 15q21.1.
Variant type: single nucleotide variant.
Coding change: c.963C>T on transcript NM_001482.3 (MANE Select); coding-DNA position 963, C replaced by T.
Protein change: p.Asp321=; no amino-acid change (aspartic acid 321 retained).
Molecular consequence: synonymous variant.
Genome position (GRCh38, 1-based): chr15:45,366,061, G>A on the plus strand (C>T on the coding strand, the complement: GATM is on the minus strand). VCF-style: chr15-45366061-G-A. GRCh37 (hg19) VCF-style: chr15-45658259-G-A.
Other names: c.576C>T, p.Asp192= (NM_001321015.2).
Identifiers: ClinVar variation 388439 (VCV000388439.1), dbSNP rs552261434, ClinGen allele CA16607797.

ClinVar aggregate classification (germline): Likely benign (1 of 4 stars; one submission).

Allele frequency attached by ClinVar (database versions not stated): gnomAD exomes below 0.00001 and 0.00001; gnomAD 0.00001; 1000 Genomes Project 30x 0.00016; 1000 Genomes Project 0.00020.
gnomAD v4.1: 7 of 1,614,104 alleles (0.00043%); highest among the groups gnomAD compares: East Asian, 0.0045%; no homozygotes.

Submission:

GeneDx
Classification: Likely benign. Last evaluated: 2016-08-12. Review status: criteria provided, single submitter. Criteria: GeneDx Variant Classification (06012015). Collection method: clinical testing. Allele origin: germline. Affected: yes.
Comment: This variant is considered likely benign or benign based on one or more of the following criteria: it is a conservative change, it occurs at a poorly conserved position in the protein, it is predicted to be benign by multiple in silico algorithms, and/or has population frequency not consistent with disease.